The following is an entry in ClinVar:

ClinVar aggregate classification (germline): Uncertain significance. Review status: criteria provided, multiple submitters, no conflicts (2 of 4 stars). 2 submissions from 2 submitters: Uncertain significance (2). Last evaluated 2024-04-12.

Conditions:
Inborn genetic diseases. Identifiers: MedGen C0950123, MeSH D030342.
T-B+ severe combined immunodeficiency due to JAK3 deficiency. Also called: SCID, autosomal recessive, T-negative/B-positive type; SCID, T CELL-NEGATIVE, B CELL-POSITIVE, NK CELL-NEGATIVE. Identifiers: Orphanet 35078, MedGen C1833275, MONDO:0010938, OMIM 600802.

Allele frequency attached by ClinVar (database versions not stated): gnomAD 0.00001; gnomAD exomes 0.00001; TOPMed 0.00001.
gnomAD v4.1: 15 of 1,604,038 alleles (0.00094%); highest among the groups gnomAD compares: Non-Finnish European, 0.0013%; no homozygotes.

Submissions (2):

Ambry Genetics
Classification: Uncertain significance for Inborn genetic diseases. Last evaluated: 2024-04-12. Review status: criteria provided, single submitter. Criteria: Ambry Variant Classification Scheme 2023. Collection method: clinical testing. Allele origin: germline.

Labcorp Genetics (formerly Invitae), Labcorp
Classification: Uncertain significance for T-B+ severe combined immunodeficiency due to JAK3 deficiency. Last evaluated: 2023-10-13. Review status: criteria provided, single submitter. Criteria: Invitae Variant Classification Sherloc (09022015). Collection method: clinical testing. Allele origin: germline.
Comment: This sequence change replaces glycine, which is neutral and non-polar, with glutamic acid, which is acidic and polar, at codon 460 of the JAK3 protein (p.Gly460Glu). This variant is not present in population databases (gnomAD no frequency). This variant has not been reported in the literature in individuals affected with JAK3-related conditions. ClinVar contains an entry for this variant (Variation ID: 1350977). Advanced modeling of protein sequence and biophysical properties (such as structural, functional, and spatial information, amino acid conservation, physicochemical variation, residue mobility, and thermodynamic stability) performed at Invitae indicates that this missense variant is not expected to disrupt JAK3 protein function. In summary, the available evidence is currently insufficient to determine the role of this variant in disease. Therefore, it has been classified as a Variant of Uncertain Significance.

NM_000215.4(JAK3):c.1379G>A (p.Gly460Glu)

Gene: JAK3 (Janus kinase 3; minus strand). Cytogenetic location: 19p13.11.
Variant type: single nucleotide variant.
Coding change: c.1379G>A on transcript NM_000215.4 (MANE Select); coding-DNA position 1379, G replaced by A.
Protein change: p.Gly460Glu; replaces glycine 460 with glutamic acid.
Molecular consequence: missense variant.
Genome position (GRCh38, 1-based): chr19:17,839,539, C>T on the plus strand (G>A on the coding strand, the complement: JAK3 is on the minus strand). VCF-style: chr19-17839539-C-T. GRCh37 (hg19) VCF-style: chr19-17950348-C-T.
Other names: c.1379G>A (NM_000215.3); short protein forms G460E.
Identifiers: ClinVar variation 1350977 (VCV001350977.7), dbSNP rs199659728, ClinGen allele CA306136418.
Genomic context (GRCh38, chr19:17,839,539, plus strand): 5'-TTGGGTCTGGGGATACAGCAGGAAGTGAGGGTCACTGCCACCCCATCTACGTGCAGCCCC[C>T]CATCCCAGCAGGTTGCCAGGAGCTCTCGAAGACTGCTGTGGGGTCGGCTGAGGCCAACCA-3'
Protein context (NP_000206.2, residues 450-470): LRELLATCWD[Gly460Glu]GLHVDGVAVT